The following is an entry in ClinVar:

NM_000587.4(C7):c.1712G>A (p.Cys571Tyr)

Gene: C7 (complement C7; plus strand). Cytogenetic location: 5p13.1.
Variant type: single nucleotide variant.
Coding change: c.1712G>A on transcript NM_000587.4 (MANE Select); coding-DNA position 1712, G replaced by A.
Protein change: p.Cys571Tyr; replaces cysteine 571 with tyrosine.
Molecular consequence: missense variant.
Genome position (GRCh38, 1-based): chr5:40,962,135, G>A. VCF-style: chr5-40962135-G-A. GRCh37 (hg19) VCF-style: chr5-40962237-G-A.
Other names: short protein forms C571Y.
Identifiers: ClinVar variation 2099104 (VCV002099104.2), dbSNP rs1193112497, ClinGen allele CA359589665.
Genomic context (GRCh38, chr5:40,962,135, plus strand): 5'-TTCCTTCCAGGTTGCTTGAACCACATTGCTTTCCTTTGTCTTTGGTTCCAACAGAATTCT[G>A]TCCATCACCTCCTGCCTTGAAAGATGGATTTGTTCAAGTTGGTTATGAAAGATATTTTTT-3'
Protein context (NP_000578.2, residues 561-581): FPLSLVPTEF[Cys571Tyr]PSPPALKDGF

ClinVar aggregate classification (germline): Uncertain significance (1 of 4 stars; one submission).

Submission:

Labcorp Genetics (formerly Invitae), Labcorp
Classification: Uncertain significance. Last evaluated: 2022-05-11. Review status: criteria provided, single submitter. Criteria: Invitae Variant Classification Sherloc (09022015). Collection method: clinical testing. Allele origin: germline.
Comment: This sequence change replaces cysteine, which is neutral and slightly polar, with tyrosine, which is neutral and polar, at codon 571 of the C7 protein (p.Cys571Tyr). This variant is not present in population databases (gnomAD no frequency). This variant has not been reported in the literature in individuals affected with C7-related conditions. Algorithms developed to predict the effect of missense changes on protein structure and function are either unavailable or do not agree on the potential impact of this missense change (SIFT: "Deleterious"; PolyPhen-2: "Probably Damaging"; Align-GVGD: "Class C0"). In summary, the available evidence is currently insufficient to determine the role of this variant in disease. Therefore, it has been classified as a Variant of Uncertain Significance.